The following is an entry in ClinVar:

ClinVar aggregate classification (germline): Uncertain significance. Review status: criteria provided, multiple submitters, no conflicts (2 of 4 stars). 2 submissions from 2 submitters: Uncertain significance (2). Last evaluated 2024-10-30.

Conditions:
Inborn genetic diseases. Identifiers: MedGen C0950123, MeSH D030342.
Developmental and epileptic encephalopathy, 12 (DEE12). Identifiers: MedGen C3150988, MONDO:0013389, OMIM 613722.

gnomAD v4.1: 3 of 1,614,158 alleles (0.00019%); highest among the groups gnomAD compares: Non-Finnish European, 0.00017%; no homozygotes.

Submissions (2):

Labcorp Genetics (formerly Invitae), Labcorp
Classification: Uncertain significance for Developmental and epileptic encephalopathy, 12. Last evaluated: 2024-10-30. Review status: criteria provided, single submitter. Criteria: Invitae Variant Classification Sherloc (09022015). Collection method: clinical testing. Allele origin: germline.
Comment: This sequence change replaces arginine, which is basic and polar, with histidine, which is basic and polar, at codon 358 of the PLCB1 protein (p.Arg358His). This variant is not present in population databases (gnomAD no frequency). This variant has not been reported in the literature in individuals affected with PLCB1-related conditions. ClinVar contains an entry for this variant (Variation ID: 1784180). Invitae Evidence Modeling of protein sequence and biophysical properties (such as structural, functional, and spatial information, amino acid conservation, physicochemical variation, residue mobility, and thermodynamic stability) indicates that this missense variant is expected to disrupt PLCB1 protein function with a positive predictive value of 80%. In summary, the available evidence is currently insufficient to determine the role of this variant in disease. Therefore, it has been classified as a Variant of Uncertain Significance.

Ambry Genetics
Classification: Uncertain significance for Inborn genetic diseases. Last evaluated: 2020-03-23. Review status: criteria provided, single submitter. Criteria: Ambry Variant Classification Scheme 2023. Collection method: clinical testing. Allele origin: germline.
Comment: The p.R358H variant (also known as c.1073G>A), located in coding exon 11 of the PLCB1 gene, results from a G to A substitution at nucleotide position 1073. The arginine at codon 358 is replaced by histidine, an amino acid with highly similar properties. This amino acid position is highly conserved in available vertebrate species. In addition, this alteration is predicted to be deleterious by in silico analysis. Since supporting evidence is limited at this time, the clinical significance of this alteration remains unclear.

NM_015192.4(PLCB1):c.1073G>A (p.Arg358His)

Gene: PLCB1 (phospholipase C beta 1; plus strand). Cytogenetic location: 20p12.3.
Variant type: single nucleotide variant.
Coding change: c.1073G>A on transcript NM_015192.4 (MANE Select); coding-DNA position 1073, G replaced by A.
Protein change: p.Arg358His; replaces arginine 358 with histidine.
Molecular consequence: missense variant.
Genome position (GRCh38, 1-based): chr20:8,697,689, G>A. VCF-style: chr20-8697689-G-A. GRCh37 (hg19) VCF-style: chr20-8678336-G-A.
Other names: c.1073G>A, p.Arg358His (NM_182734.3); short protein forms R358H.
Identifiers: ClinVar variation 1784180 (VCV001784180.7), dbSNP rs2123428071, ClinGen allele CA408197352.